The following is an entry in ClinVar:

NM_001037333.3(CYFIP2):c.3113-16_3113-15delinsTG

Genes: CYFIP2 (cytoplasmic FMR1 interacting protein 2; plus strand), NIPAL4-DT (NIPAL4 divergent transcript; minus strand). Cytogenetic location: 5q33.3.
Variant type: Indel.
Coding change: c.3113-16_3113-15delinsTG on transcript NM_001037333.3 (MANE Select); 16 bases into the intron before coding-DNA position 3113 through 15 bases into the intron before coding-DNA position 3113, GC replaced by TG.
Molecular consequence: intron variant.
Genome position (GRCh38, 1-based): chr5:157,383,249-157,383,250, GC replaced by TG. VCF-style: chr5-157383249-GC-TG. GRCh37 (hg19) VCF-style: chr5-156810257-GC-TG.
Other names: c.3188-16_3188-15delinsTG (NM_001291722.2); c.3035-16_3035-15delinsTG (NM_001291721.2); c.3113-16_3113-15delinsTG (NM_014376.4).
Identifiers: ClinVar variation 2033632 (VCV002033632.4), dbSNP rs2532695968, ClinGen allele CA2580073959.

ClinVar aggregate classification (germline): Uncertain significance (1 of 4 stars; one submission).

Submission:

Labcorp Genetics (formerly Invitae), Labcorp
Classification: Uncertain significance. Last evaluated: 2022-10-01. Review status: criteria provided, single submitter. Criteria: Invitae Variant Classification Sherloc (09022015). Collection method: clinical testing. Allele origin: germline.
Comment: In summary, the available evidence is currently insufficient to determine the role of this variant in disease. Therefore, it has been classified as a Variant of Uncertain Significance. Experimental studies and prediction algorithms are not available or were not evaluated, and the effect of this variant on mRNA splicing is currently unknown. This variant has not been reported in the literature in individuals affected with CYFIP2-related conditions. Information on the frequency of this variant in the gnomAD database is not available, as this variant may be reported differently in the database. This sequence change falls in intron 27 of the CYFIP2 gene. It does not directly change the encoded amino acid sequence of the CYFIP2 protein.